The following is an entry in ClinVar:

ClinVar aggregate classification (germline): Likely benign (1 of 4 stars; one submission).

Conditions:
Autosomal dominant nonsyndromic hearing loss 5. Identifiers: Orphanet 90635, MedGen C1832932, MONDO:0010973, OMIM 600994.

Allele frequency attached by ClinVar (database versions not stated): gnomAD 0.00038 and 0.00056; TOPMed 0.00049; gnomAD exomes 0.00081; 1000 Genomes Project 30x 0.00156; 1000 Genomes Project 0.00160.
gnomAD v4.1: 247 of 355,528 alleles (0.069%); highest among the groups gnomAD compares: East Asian, 1.3%; 3 homozygotes.

Submission:

Illumina Laboratory Services, Illumina
Classification: Likely benign for Autosomal dominant nonsyndromic hearing loss 5. Last evaluated: 2018-01-13. Review status: criteria provided, single submitter. Criteria: ICSL Variant Classification Criteria 13 December 2019. Collection method: clinical testing. Allele origin: germline.
Comment: This variant was observed in the ICSL laboratory as part of a predisposition screen in an ostensibly healthy population. It had not been previously curated by ICSL or reported in the Human Gene Mutation Database (HGMD: prior to June 1st, 2018), and was therefore a candidate for classification through an automated scoring system. Utilizing variant allele frequency, disease prevalence and penetrance estimates, and inheritance mode, an automated score was calculated to assess if this variant is too frequent to cause the disease. Based on the score and internal cut-off values, a variant classified as likely benign is not then subjected to further curation. The score for this variant resulted in a classification of likely benign for this disease.

NM_001127453.2(GSDME):c.*346G>C

Gene: GSDME (gasdermin E; minus strand). Cytogenetic location: 7p15.3.
Variant type: single nucleotide variant.
Coding change: c.*346G>C on transcript NM_001127453.2 (MANE Select); 346 bases downstream of the stop codon, G replaced by C.
Molecular consequence: 3 prime UTR variant.
Genome position (GRCh38, 1-based): chr7:24,698,680, C>G on the plus strand (G>C on the coding strand, the complement: GSDME is on the minus strand). VCF-style: chr7-24698680-C-G. GRCh37 (hg19) VCF-style: chr7-24738299-C-G.
Other names: c.*346G>C (NM_001127454.2, NM_004403.3).
Identifiers: ClinVar variation 359828 (VCV000359828.5), dbSNP rs144928530, ClinGen allele CA10623700.